The following is an entry in ClinVar:

NM_001367624.2(ZNF469):c.6015C>T (p.Asn2005=)

Gene: ZNF469 (zinc finger protein 469; plus strand). Cytogenetic location: 16q24.2.
Variant type: single nucleotide variant.
Coding change: c.6015C>T on transcript NM_001367624.2 (MANE Select); coding-DNA position 6015, C replaced by T.
Protein change: p.Asn2005=; no amino-acid change (asparagine 2005 retained).
Molecular consequence: synonymous variant.
Genome position (GRCh38, 1-based): chr16:88,433,485, C>T. VCF-style: chr16-88433485-C-T. GRCh37 (hg19) VCF-style: chr16-88499893-C-T.
Other names: NM_001127464.1:c.5931C>T; NM_001127464.2:c.5931C>T; p.Asn2005=.
Identifiers: ClinVar variation 1595743 (VCV001595743.13), dbSNP rs914056509, ClinGen allele CA286381117.

ClinVar aggregate classification (germline): Likely benign. Review status: criteria provided, multiple submitters, no conflicts (2 of 4 stars). 4 submissions from 4 submitters: Likely benign (3). 1 of the submissions does not count toward it. Last evaluated 2026-01-27.

Conditions:
ZNF469-related disorder. Also called: ZNF469-related condition.
Cardiovascular phenotype. Identifiers: MedGen CN230736.

Allele frequency attached by ClinVar (database versions not stated): gnomAD 0.00002; TOPMed 0.00004.
gnomAD v4.1: 15 of 1,550,268 alleles (0.00097%); highest among the groups gnomAD compares: African/African-American, 0.0068%; no homozygotes.

Submissions (4):

Labcorp Genetics (formerly Invitae), Labcorp
Classification: Likely benign. Last evaluated: 2026-01-27. Review status: criteria provided, single submitter. Criteria: Invitae Variant Classification Sherloc (09022015). Collection method: clinical testing. Allele origin: germline.

Mayo Clinic Laboratories, Mayo Clinic
Classification: Likely benign. Last evaluated: 2025-01-20. Review status: criteria provided, single submitter. Criteria: ACMG Guidelines, 2015. Collection method: clinical testing. Allele origin: germline. Observed: 1 variant allele.
Comment: BP4, BP7

Ambry Genetics
Classification: Likely benign for Cardiovascular phenotype. Last evaluated: 2019-08-01. Review status: criteria provided, single submitter. Criteria: Ambry Variant Classification Scheme 2023. Collection method: clinical testing. Allele origin: germline.

PreventionGenetics, part of Exact Sciences
Classification: Likely benign for ZNF469-related condition. Last evaluated: 2021-04-29. Review status: no assertion criteria provided. Collection method: clinical testing. Allele origin: germline. Not counted in ClinVar's aggregate classification.
Comment: This variant is classified as likely benign based on ACMG/AMP sequence variant interpretation guidelines (Richards et al. 2015 PMID: 25741868, with internal and published modifications).